The following is an entry in ClinVar:

ClinVar aggregate classification (germline): Benign (1 of 4 stars; one submission).

Allele frequency attached by ClinVar (database versions not stated): 1000 Genomes Project 30x 0.30450; 1000 Genomes Project 0.30751; TOPMed 0.31885; gnomAD 0.32646.
gnomAD v4.1: 335,721 of 932,802 alleles (36%); highest among the groups gnomAD compares: East Asian, 45%; 62,635 homozygotes.

Submission:

GeneDx
Classification: Benign. Last evaluated: 2018-06-16. Review status: criteria provided, single submitter. Criteria: GeneDx Variant Classification (06012015). Collection method: clinical testing. Allele origin: germline. Affected: yes.
Comment: This variant is considered likely benign or benign based on one or more of the following criteria: it is a conservative change, it occurs at a poorly conserved position in the protein, it is predicted to be benign by multiple in silico algorithms, and/or has population frequency not consistent with disease.

NM_006031.6(PCNT):c.4584+129T>C

Gene: PCNT (pericentrin; plus strand). Cytogenetic location: 21q22.3.
Variant type: single nucleotide variant.
Coding change: c.4584+129T>C on transcript NM_006031.6 (MANE Select); 129 bases into the intron after coding-DNA position 4584, T replaced by C.
Molecular consequence: intron variant.
Genome position (GRCh38, 1-based): chr21:46,398,384, T>C. VCF-style: chr21-46398384-T-C. GRCh37 (hg19) VCF-style: chr21-47818298-T-C.
Other names: c.4230+129T>C (NM_001315529.2).
Identifiers: ClinVar variation 673979 (VCV000673979.1), dbSNP rs2073382, ClinGen allele CA14915620.
Genomic context (GRCh38, chr21:46,398,384, plus strand): 5'-TGTCCTGCCACCCACTCGCTTTTCTTGCTCTTGTTTGGGCTGCAGCCATCTGCTTTCTCT[T>C]GTCTGAGGAAGCTGTAGTAGGTTCGTTTATTTTTTTAAAAAATTAATGGTGGATTCACAC-3'